The following is an entry in ClinVar:

ClinVar aggregate classification (germline): Uncertain significance (1 of 4 stars; one submission).

Conditions:
Pitt-Hopkins-like syndrome 2 (PTHSL2). Identifiers: Orphanet 221150, Orphanet 600663, MedGen C3280479, MONDO:0013690, OMIM 614325.

Allele frequency attached by ClinVar (database versions not stated): gnomAD exomes below 0.00001 and 0.00001; ExAC 0.00001.
gnomAD v4.1: 3 of 1,613,982 alleles (0.00019%); highest among the groups gnomAD compares: South Asian, 0.0022%; no homozygotes.

Submission:

Labcorp Genetics (formerly Invitae), Labcorp
Classification: Uncertain significance for Pitt-Hopkins-like syndrome 2. Last evaluated: 2025-05-27. Review status: criteria provided, single submitter. Criteria: Invitae Variant Classification Sherloc (09022015). Collection method: clinical testing. Allele origin: germline.
Comment: This sequence change replaces alanine, which is neutral and non-polar, with valine, which is neutral and non-polar, at codon 1382 of the NRXN1 protein (p.Ala1382Val). This variant is present in population databases (rs201323039, gnomAD 0.003%). This variant has not been reported in the literature in individuals affected with NRXN1-related conditions. ClinVar contains an entry for this variant (Variation ID: 848005). Invitae Evidence Modeling of protein sequence and biophysical properties (such as structural, functional, and spatial information, amino acid conservation, physicochemical variation, residue mobility, and thermodynamic stability) indicates that this missense variant is not expected to disrupt NRXN1 protein function with a negative predictive value of 80%. In summary, the available evidence is currently insufficient to determine the role of this variant in disease. Therefore, it has been classified as a Variant of Uncertain Significance.

NM_001330078.2(NRXN1):c.4025C>T (p.Ala1342Val)

Gene: NRXN1 (neurexin 1; minus strand). Cytogenetic location: 2p16.3.
Variant type: single nucleotide variant.
Coding change: c.4025C>T on transcript NM_001330078.2 (MANE Select); coding-DNA position 4025, C replaced by T.
Protein change: p.Ala1342Val; replaces alanine 1342 with valine.
Molecular consequence: missense variant.
Genome position (GRCh38, 1-based): chr2:50,053,374, G>A on the plus strand (C>T on the coding strand, the complement: NRXN1 is on the minus strand). VCF-style: chr2-50053374-G-A. GRCh37 (hg19) VCF-style: chr2-50280512-G-A.
Other names: c.4145C>T, p.Ala1382Val (NM_001135659.3); c.4001C>T, p.Ala1334Val (NM_001330077.2, NM_001330082.2); c.3869C>T, p.Ala1290Val (NM_001330083.2); c.3959C>T, p.Ala1320Val (NM_001330084.2); c.3998C>T, p.Ala1333Val (NM_001330085.2); c.4025C>T, p.Ala1342Val (NM_001330086.2); c.3824C>T, p.Ala1275Val (NM_001330087.2, NM_001330096.2); c.3854C>T, p.Ala1285Val (NM_001330088.2); and 6 more; short protein forms A1295V, A1338V, A1275V, A1285V, A1320V, A1334V, A1342V, A307V.
Identifiers: ClinVar variation 848005 (VCV000848005.9), dbSNP rs201323039, ClinGen allele CA1654315.